The following is an entry in ClinVar:

Conditions:
Breast-ovarian cancer, familial, susceptibility to, 1 (BROVCA1). Also called: BRCA1 Hereditary Breast and Ovarian Cancer; OVARIAN CANCER, SUSCEPTIBILITY TO. Identifiers: Orphanet 145, MedGen C2676676, MONDO:0011450, OMIM 604370. Disease mechanism: loss of function.

Submission:

Brotman Baty Institute, University of Washington
No classification provided (evidence only). Condition: Breast-ovarian cancer, familial 1. Review status: no classification provided. Collection method: in vitro. Allele origin: not applicable. Functional consequence: functionally_normal.
ClinVar note: "not provided" was previously submitted as the classification for the variant. However, the classification appeared to be based only on an observation of functional data so it was converted to no classification on 2025-07-30.

NM_007294.4(BRCA1):c.5406+18T>A

Gene: BRCA1 (BRCA1 DNA repair associated; minus strand). Cytogenetic location: 17q21.31.
Variant type: single nucleotide variant.
Coding change: c.5406+18T>A on transcript NM_007294.4 (MANE Select); 18 bases into the intron after coding-DNA position 5406, T replaced by A.
Molecular consequence: intron variant.
Genome position (GRCh38, 1-based): chr17:43,049,103, A>T on the plus strand (T>A on the coding strand, the complement: BRCA1 is on the minus strand). VCF-style: chr17-43049103-A-T. GRCh37 (hg19) VCF-style: chr17-41201120-A-T.
Other names: c.1884+18T>A (NM_001408483.1, NM_001408491.1, NM_001408481.1 and 5 more transcripts); c.5400+18T>A (NM_001407634.1, NM_001407632.1, NM_001407627.1 and 13 more transcripts); c.5403+18T>A (NM_001407610.1, NM_001407621.1, NM_001407613.1 and 14 more transcripts); c.1971+18T>A (NM_001408442.1, NM_001408436.1, NM_001408435.1 and 10 more transcripts); c.1974+18T>A (NM_001408426.1, NM_001408430.1, NM_001408427.1 and 4 more transcripts); c.2094+18T>A (NM_001407982.1, NM_001407980.1, NM_001407993.1 and 10 more transcripts); c.2163+18T>A (NM_001407970.1, NM_001407971.1); c.5406+18T>A (NM_001407593.1, NM_001407603.1, NM_001407598.1 and 5 more transcripts); and 84 more.
Identifiers: ClinVar variation 865724 (VCV000865724.3), dbSNP rs2051068172, ClinGen allele CA916080811.